The following is an entry in ClinVar:

NM_004168.4(SDHA):c.1272C>T (p.His424=)

Gene: SDHA (succinate dehydrogenase complex flavoprotein subunit A; plus strand). Cytogenetic location: 5p15.33.
Variant type: single nucleotide variant.
Coding change: c.1272C>T on transcript NM_004168.4 (MANE Select); coding-DNA position 1272, C replaced by T.
Protein change: p.His424=; no amino-acid change (histidine 424 retained).
Molecular consequence: synonymous variant.
Genome position (GRCh38, 1-based): chr5:236,439, C>T. VCF-style: chr5-236439-C-T. GRCh37 (hg19) VCF-style: chr5-236554-C-T.
Other names: c.1128C>T, p.His376= (NM_001294332.2); c.1272C>T, p.His424= (NM_001330758.2).
Identifiers: ClinVar variation 472316 (VCV000472316.20), dbSNP rs754805626, ClinGen allele CA3173179.

ClinVar aggregate classification (germline): Benign/Likely benign. Review status: criteria provided, multiple submitters, no conflicts (2 of 4 stars). 5 submissions from 5 submitters: Benign (1); Likely benign (3). 1 of the submissions does not count toward it. Last evaluated 2026-08-01.

Conditions:
SDHA-related disorder. Also called: SDHA-related condition; SDHA-related disorders.
Pheochromocytoma/paraganglioma syndrome 5. Also called: SDHA-Related Hereditary Paraganglioma-Pheochromocytoma Syndrome; Paragangliomas 5. Identifiers: Orphanet 29072, MedGen C3279992, MONDO:0013602, OMIM 614165.
Mitochondrial complex II deficiency, nuclear type 1. Also called: SUCCINATE CoQ REDUCTASE DEFICIENCY. Identifiers: Orphanet 3208, MedGen C5700310, MONDO:0100294, OMIM 252011.
Hereditary cancer-predisposing syndrome. Also called: Hereditary neoplastic syndrome; Tumor predisposition; Neoplastic Syndromes, Hereditary; Hereditary Cancer Syndrome. Identifiers: Orphanet 140162, MedGen C0027672, MeSH D009386, MONDO:0015356.

Allele frequency attached by ClinVar (database versions not stated): TOPMed 0.00001; gnomAD 0.00003.
gnomAD v4.1: 15 of 1,613,832 alleles (0.00093%); highest among the groups gnomAD compares: Middle Eastern, 0.033%; no homozygotes.

Submissions (5):

CeGaT Center for Human Genetics Tuebingen
Classification: Likely benign. Last evaluated: 2026-08-01. Review status: criteria provided, single submitter. Criteria: CeGaT Center For Human Genetics Tuebingen Variant Classification Criteria Version 2. Collection method: clinical testing. Allele origin: germline. Affected: yes. Observed: 1 variant allele.
Comment: SDHA: BP4, BP7

Labcorp Genetics (formerly Invitae), Labcorp
Classification: Likely benign for Pheochromocytoma/paraganglioma syndrome 5; Mitochondrial complex II deficiency, nuclear type 1. Last evaluated: 2025-09-04. Review status: criteria provided, single submitter. Criteria: Invitae Variant Classification Sherloc (09022015). Collection method: clinical testing. Allele origin: germline.

Myriad Genetics, Inc.
Classification: Benign for Pheochromocytoma/paraganglioma syndrome 5. Last evaluated: 2025-03-10. Review status: criteria provided, single submitter. Criteria: Myriad Autosomal Dominant, Autosomal Recessive and X-Linked Classification Criteria (2023). Collection method: clinical testing. Allele origin: unknown.
Comment: This variant is considered benign. This variant is a silent/synonymous amino acid change and it is not expected to impact splicing.

Ambry Genetics
Classification: Likely benign for Hereditary cancer-predisposing syndrome. Last evaluated: 2016-02-29. Review status: criteria provided, single submitter. Criteria: Ambry Variant Classification Scheme 2023. Collection method: clinical testing. Allele origin: germline.

PreventionGenetics, part of Exact Sciences
Classification: Likely benign for SDHA-related condition. Last evaluated: 2023-08-10. Review status: no assertion criteria provided. Collection method: clinical testing. Allele origin: germline. Not counted in ClinVar's aggregate classification.
Comment: This variant is classified as likely benign based on ACMG/AMP sequence variant interpretation guidelines (Richards et al. 2015 PMID: 25741868, with internal and published modifications).